The following is an entry in ClinVar:

ClinVar aggregate classification (germline): Pathogenic (1 of 4 stars; one submission).

Conditions:
Familial cancer of breast. Also called: Hereditary breast cancer; BREAST CANCER, FAMILIAL; hereditary breast carcinoma. Identifiers: Orphanet 227535, MedGen C0346153, MONDO:0016419, OMIM 114480. Disease mechanism: loss of function.

Submission:

Myriad Genetics, Inc.
Classification: Pathogenic for Familial cancer of breast. Last evaluated: 2023-06-02. Review status: criteria provided, single submitter. Criteria: Myriad Autosomal Dominant, Autosomal Recessive and X-Linked Classification Criteria (2023). Collection method: clinical testing. Allele origin: unknown.
Comment: This variant is considered pathogenic. This variant creates a termination codon and is predicted to result in premature protein truncation.

NM_032043.3(BRIP1):c.1384G>T (p.Glu462Ter)

Gene: BRIP1 (BRCA1 interacting DNA helicase 1; minus strand). Cytogenetic location: 17q23.2.
Variant type: single nucleotide variant.
Coding change: c.1384G>T on transcript NM_032043.3 (MANE Select); coding-DNA position 1384, G replaced by T.
Protein change: p.Glu462Ter; replaces glutamic acid 462 with a stop codon.
Molecular consequence: nonsense.
Genome position (GRCh38, 1-based): chr17:61,793,686, C>A on the plus strand (G>T on the coding strand, the complement: BRIP1 is on the minus strand). VCF-style: chr17-61793686-C-A. GRCh37 (hg19) VCF-style: chr17-59871047-C-A.
Other names: short protein forms E462*.
Identifiers: ClinVar variation 2583448 (VCV002583448.2), dbSNP rs1603340353, ClinGen allele CA400482231.
Genomic context (GRCh38, chr17:61,793,686, plus strand): 5'-TACCCATTTTGTGTAAAGTTAAGAGCATTTCATTTCCACTCCATATTTTACAAGCTGATT[C>A]ATAATCTCTTTCTACAAGATATTCAGCGTTTGCTTCTAACCAACTGAAATAAAATAAAAC-3'